The following is an entry in ClinVar:

NM_000051.4(ATM):c.4732C>T (p.Gln1578Ter)

Gene: ATM (ATM serine/threonine kinase; plus strand). Cytogenetic location: 11q22.3.
Variant type: single nucleotide variant.
Coding change: c.4732C>T on transcript NM_000051.4 (MANE Select); coding-DNA position 4732, C replaced by T.
Protein change: p.Gln1578Ter; replaces glutamine 1578 with a stop codon.
Molecular consequence: nonsense.
Genome position (GRCh38, 1-based): chr11:108,293,433, C>T. VCF-style: chr11-108293433-C-T. GRCh37 (hg19) VCF-style: chr11-108164160-C-T.
Other names: c.4732C>T, p.Gln1578Ter (NM_001351834.2); short protein forms Q1578*.
Identifiers: ClinVar variation 370892 (VCV000370892.14), dbSNP rs746499337, ClinGen allele CA6265531.
Genomic context (GRCh38, chr11:108,293,433, plus strand): 5'-ACGATTAAGCTTTTAGATCCTTTTCCTGACCATGTTGTTTTTAAGGATTTGCGTATTACT[C>T]AGCAAAAAATCAAATACAGTAGAGGACCCTTTTCACTCTTGGAGGTAATAAAAATTTCAT-3'

ClinVar aggregate classification (germline): Pathogenic. Review status: criteria provided, multiple submitters, no conflicts (2 of 4 stars). 5 submissions from 5 submitters: Pathogenic (4). 1 of the submissions does not count toward it. Last evaluated 2025-08-18.

Conditions:
Hereditary cancer-predisposing syndrome. Also called: Tumor predisposition; Hereditary Cancer Syndrome; Hereditary neoplastic syndrome; Neoplastic Syndromes, Hereditary. Identifiers: Orphanet 140162, MedGen C0027672, MeSH D009386, MONDO:0015356.
Familial cancer of breast. Also called: Hereditary breast cancer; BREAST CANCER, FAMILIAL; hereditary breast carcinoma. Identifiers: Orphanet 227535, MedGen C0346153, MONDO:0016419, OMIM 114480. Disease mechanism: loss of function.
Ataxia-telangiectasia syndrome (AT). Also called: ATAXIA-TELANGIECTASIA, COMPLEMENTATION GROUP A; ATAXIA-TELANGIECTASIA, FRESNO VARIANT; Ataxia-telangiectasia; Ataxia telangiectasia (A-T); Cerebello-oculocutaneous telangiectasia; Immunodeficiency with ataxia telangiectasia. Identifiers: Orphanet 100, MedGen C0004135, MONDO:0008840, OMIM 208900.

Allele frequency attached by ClinVar (database versions not stated): gnomAD exomes below 0.00001; ExAC 0.00001.

Submissions (5):

Labcorp Genetics (formerly Invitae), Labcorp
Classification: Pathogenic for Ataxia-telangiectasia syndrome. Last evaluated: 2025-08-18. Review status: criteria provided, single submitter. Criteria: Invitae Variant Classification Sherloc (09022015). Collection method: clinical testing. Allele origin: germline.
Comment: This sequence change creates a premature translational stop signal (p.Gln1578*) in the ATM gene. It is expected to result in an absent or disrupted protein product. Loss-of-function variants in ATM are known to be pathogenic (PMID: 23807571, 25614872). This variant is present in population databases (rs746499337, gnomAD 0.003%). This premature translational stop signal has been observed in individual(s) with ataxia-telangiectasia (PMID: 12815592, 15039971). ClinVar contains an entry for this variant (Variation ID: 370892). Algorithms developed to predict the effect of sequence changes on RNA splicing suggest that this variant may disrupt the consensus splice site. For these reasons, this variant has been classified as Pathogenic.

Myriad Genetics, Inc.
Classification: Pathogenic for Familial cancer of breast. Last evaluated: 2024-01-24. Review status: criteria provided, single submitter. Criteria: Myriad Autosomal Dominant, Autosomal Recessive and X-Linked Classification Criteria (2023). Collection method: clinical testing. Allele origin: unknown.
Comment: This variant is considered pathogenic. This variant creates a termination codon and is predicted to result in premature protein truncation.

Baylor Genetics
Classification: Pathogenic for Familial cancer of breast. Last evaluated: 2023-07-01. Review status: criteria provided, single submitter. Criteria: ACMG Guidelines, 2015. Collection method: clinical testing. Allele origin: unknown.

Ambry Genetics
Classification: Pathogenic for Hereditary cancer-predisposing syndrome. Last evaluated: 2022-11-22. Review status: criteria provided, single submitter. Criteria: Ambry Variant Classification Scheme 2023. Collection method: clinical testing. Allele origin: germline.
Comment: The p.Q1578* pathogenic mutation (also known as c.4732C>T), located in coding exon 30 of the ATM gene, results from a C to T substitution at nucleotide position 4732. This changes the amino acid from a glutamine to a stop codon within coding exon 30. This variant has been confirmed in trans with an ATM pathogenic variant in an individual diagnosed with ataxia-telangiectasia (Mitui M et al. Hum Mutat, 2003 Jul;22:43-50). This variant is considered to be rare based on population cohorts in the Genome Aggregation Database (gnomAD). In addition to the clinical data presented in the literature, this alteration is expected to result in loss of function by premature protein truncation or nonsense-mediated mRNA decay. As such, this alteration is interpreted as a disease-causing mutation.

Counsyl
Classification: Likely pathogenic for Ataxia-telangiectasia syndrome. Last evaluated: 2016-05-11. Review status: no assertion criteria provided. Collection method: clinical testing. Allele origin: unknown. Not counted in ClinVar's aggregate classification.

Literature cited by the submitters: PubMed 23807571 (cited by Labcorp Genetics (formerly Invitae), Labcorp); PubMed 25614872 (cited by Labcorp Genetics (formerly Invitae), Labcorp); PubMed 12815592 (cited by 3 submitters); PubMed 15039971 (cited by Labcorp Genetics (formerly Invitae), Labcorp); PubMed 25525159 (cited by Counsyl).